The following is an entry in ClinVar:

ClinVar aggregate classification (germline): Likely benign (1 of 4 stars; one submission).

Conditions:
Multiple endocrine neoplasia, type 2 (MEN2). Identifiers: Orphanet 653, MedGen C4048306, MONDO:0019003. Disease mechanism: gain of function.

Submission:

All of Us Research Program, National Institutes of Health
Classification: Likely benign for Multiple endocrine neoplasia, type 2. Last evaluated: 2023-09-17. Review status: criteria provided, single submitter. Criteria: ACMG Guidelines, 2015. Collection method: clinical testing. Allele origin: germline. Inheritance: Autosomal dominant inheritance. Observed: 1 variant allele, 1 heterozygote.
Comment: This study involves interpretation of variants in research participants for the purpose of population health screening. Participant phenotype was not available at the time of variant classification. Additional details can be found in publication PMID: 35346344, PMCID: PMC8962531

NM_020975.6(RET):c.2593C>T (p.Leu865=)

Gene: RET (ret proto-oncogene; plus strand). Cytogenetic location: 10q11.21.
Variant type: single nucleotide variant.
Coding change: c.2593C>T on transcript NM_020975.6 (MANE Select); coding-DNA position 2593, C replaced by T.
Protein change: p.Leu865=; no amino-acid change (leucine 865 retained).
Molecular consequence: synonymous variant.
Genome position (GRCh38, 1-based): chr10:43,119,731, C>T. VCF-style: chr10-43119731-C-T. GRCh37 (hg19) VCF-style: chr10-43615179-C-T.
Other names: c.2593C>T, p.Leu865= (NM_000323.2, NM_001406743.1, NM_001406744.1 and 4 more transcripts); c.1831C>T, p.Leu611= (NM_001355216.2); c.2464C>T, p.Leu822= (NM_001406761.1, NM_001406762.1, NM_001406764.1); c.2458C>T, p.Leu820= (NM_001406763.1, NM_001406765.1); c.2305C>T, p.Leu769= (NM_001406766.1, NM_001406767.1, NM_001406770.1); c.2329C>T, p.Leu777= (NM_001406768.1); c.2197C>T, p.Leu733= (NM_001406769.1, NM_001406772.1); c.2155C>T, p.Leu719= (NM_001406771.1, NM_001406773.1); and 10 more.
Identifiers: ClinVar variation 3073387 (VCV003073387.1), dbSNP rs2132951180, ClinGen allele CA376556783.